The following is an entry in ClinVar:

ClinVar aggregate classification (germline): Uncertain significance (1 of 4 stars; one submission).

Conditions:
Cardiovascular phenotype. Identifiers: MedGen CN230736.

Allele frequency attached by ClinVar (database versions not stated): gnomAD exomes below 0.00001.
gnomAD v4.1: 1 of 1,613,868 alleles (0.000062%); highest among the groups gnomAD compares: Non-Finnish European, 0.000085%; no homozygotes.

Submission:

Ambry Genetics
Classification: Uncertain significance for Cardiovascular phenotype. Last evaluated: 2023-11-01. Review status: criteria provided, single submitter. Criteria: Ambry Variant Classification Scheme 2023. Collection method: clinical testing. Allele origin: germline.
Comment: The p.T1942A variant (also known as c.5824A>G), located in coding exon 24 of the AKAP9 gene, results from an A to G substitution at nucleotide position 5824. The threonine at codon 1942 is replaced by alanine, an amino acid with similar properties. This amino acid position is conserved. In addition, this alteration is predicted to be tolerated by in silico analysis. Since supporting evidence is limited at this time, the clinical significance of this alteration remains unclear.

NM_005751.5(AKAP9):c.5824A>G (p.Thr1942Ala)

Gene: AKAP9 (A-kinase anchoring protein 9; plus strand). Cytogenetic location: 7q21.2.
Variant type: single nucleotide variant.
Coding change: c.5824A>G on transcript NM_005751.5 (MANE Select); coding-DNA position 5824, A replaced by G.
Protein change: p.Thr1942Ala; replaces threonine 1942 with alanine.
Molecular consequence: missense variant.
Genome position (GRCh38, 1-based): chr7:92,062,333, A>G. VCF-style: chr7-92062333-A-G. GRCh37 (hg19) VCF-style: chr7-91691647-A-G.
Other names: c.469A>G, p.Thr157Ala (NM_001379277.1); c.5824A>G, p.Thr1942Ala (NM_147185.3); short protein forms T157A, T1942A.
Identifiers: ClinVar variation 3225073 (VCV003225073.1), dbSNP rs2535194837, ClinGen allele CA368131944.